The following is an entry in ClinVar:

ClinVar aggregate classification (germline): Uncertain significance. Review status: criteria provided, multiple submitters, no conflicts (2 of 4 stars). 2 submissions from 2 submitters: Uncertain significance (2). Last evaluated 2025-11-24.

Conditions:
Inborn genetic diseases. Identifiers: MedGen C0950123, MeSH D030342.

gnomAD v4.1: 1 of 1,613,226 alleles (0.000062%); highest among the groups gnomAD compares: Non-Finnish European, 0.000085%; no homozygotes.

Submissions (2):

Ambry Genetics
Classification: Uncertain significance for Inborn genetic diseases. Last evaluated: 2025-11-24. Review status: criteria provided, single submitter. Criteria: Ambry Variant Classification Scheme 2023. Collection method: clinical testing. Allele origin: germline.

Labcorp Genetics (formerly Invitae), Labcorp
Classification: Uncertain significance. Last evaluated: 2025-04-14. Review status: criteria provided, single submitter. Criteria: Invitae Variant Classification Sherloc (09022015). Collection method: clinical testing. Allele origin: germline.
Comment: This sequence change replaces tryptophan, which is neutral and slightly polar, with cysteine, which is neutral and slightly polar, at codon 376 of the PKDCC protein (p.Trp376Cys). This variant is not present in population databases (gnomAD no frequency). This variant has not been reported in the literature in individuals affected with PKDCC-related conditions. ClinVar contains an entry for this variant (Variation ID: 2960758). An algorithm developed to predict the effect of missense changes on protein structure and function (PolyPhen-2) suggests that this variant is likely to be disruptive. In summary, the available evidence is currently insufficient to determine the role of this variant in disease. Therefore, it has been classified as a Variant of Uncertain Significance.

NM_138370.3(PKDCC):c.1128G>T (p.Trp376Cys)

Gene: PKDCC (protein kinase domain containing, cytoplasmic; plus strand). Cytogenetic location: 2p21.
Variant type: single nucleotide variant.
Coding change: c.1128G>T on transcript NM_138370.3 (MANE Select); coding-DNA position 1128, G replaced by T.
Protein change: p.Trp376Cys; replaces tryptophan 376 with cysteine.
Molecular consequence: missense variant.
Genome position (GRCh38, 1-based): chr2:42,055,299, G>T. VCF-style: chr2-42055299-G-T. GRCh37 (hg19) VCF-style: chr2-42282439-G-T.
Other names: c.1128G>T (NM_138370.2); short protein forms W376C.
Identifiers: ClinVar variation 2960758 (VCV002960758.4), dbSNP rs747921012, ClinGen allele CA346624622.